The following is an entry in ClinVar:

ClinVar aggregate classification (germline): Uncertain significance. Review status: criteria provided, multiple submitters, no conflicts (2 of 4 stars). 3 submissions from 3 submitters: Uncertain significance (3). Last evaluated 2026-02-25.

Conditions:
Emery-Dreifuss muscular dystrophy 4, autosomal dominant (EDMD4). Also called: EMERY-DREIFUSS MUSCULAR DYSTROPHY 4 WITH VARIABLE FEATURES. Identifiers: Orphanet 261, MedGen C2751807, MONDO:0013071, OMIM 612998.
Autosomal recessive ataxia, Beauce type. Also called: Spinocerebellar ataxia, autosomal recessive 8; ATAXIA, RECESSIVE, OF BEAUCE; SYNE1-Related Autosomal Recessive Cerebellar Ataxia; SYNE1 Deficiency. Identifiers: Orphanet 88644, MedGen C1853116, MONDO:0012549, OMIM 610743.

Allele frequency attached by ClinVar (database versions not stated): gnomAD 0.00001; ExAC 0.00002; gnomAD exomes 0.00002; TOPMed 0.00003.
gnomAD v4.1: 25 of 1,614,078 alleles (0.0015%); highest among the groups gnomAD compares: Middle Eastern, 0.016%; no homozygotes.

Submissions (3):

GeneDx
Classification: Uncertain significance. Last evaluated: 2026-02-25. Review status: criteria provided, single submitter. Criteria: GeneDx Variant Classification Process June 2021. Collection method: clinical testing. Allele origin: germline.
Comment: In silico analysis suggests that this missense variant does not alter protein structure/function; Has not been previously published as pathogenic or benign to our knowledge

Mayo Clinic Laboratories, Mayo Clinic
Classification: Uncertain significance. Last evaluated: 2025-12-11. Review status: criteria provided, single submitter. Criteria: ACMG Guidelines, 2015. Collection method: clinical testing. Allele origin: germline. Observed: 1 variant allele.
Comment: BP4_moderate

Labcorp Genetics (formerly Invitae), Labcorp
Classification: Uncertain significance for Emery-Dreifuss muscular dystrophy 4, autosomal dominant; Autosomal recessive ataxia, Beauce type. Last evaluated: 2022-07-06. Review status: criteria provided, single submitter. Criteria: Invitae Variant Classification Sherloc (09022015). Collection method: clinical testing. Allele origin: germline.
Comment: This sequence change replaces glutamic acid, which is acidic and polar, with aspartic acid, which is acidic and polar, at codon 6127 of the SYNE1 protein (p.Glu6127Asp). This variant is present in population databases (rs776024100, gnomAD 0.02%). This variant has not been reported in the literature in individuals affected with SYNE1-related conditions. ClinVar contains an entry for this variant (Variation ID: 1439619). Algorithms developed to predict the effect of missense changes on protein structure and function are either unavailable or do not agree on the potential impact of this missense change (SIFT: "Deleterious"; PolyPhen-2: "Benign"; Align-GVGD: "Class C35"). In summary, the available evidence is currently insufficient to determine the role of this variant in disease. Therefore, it has been classified as a Variant of Uncertain Significance.

NM_182961.4(SYNE1):c.18594G>C (p.Glu6198Asp)

Gene: SYNE1 (spectrin repeat containing nuclear envelope protein 1; minus strand). Cytogenetic location: 6q25.2.
Variant type: single nucleotide variant.
Coding change: c.18594G>C on transcript NM_182961.4 (MANE Select); coding-DNA position 18594, G replaced by C.
Protein change: p.Glu6198Asp; replaces glutamic acid 6198 with aspartic acid.
Molecular consequence: missense variant.
Genome position (GRCh38, 1-based): chr6:152,269,266, C>G on the plus strand (G>C on the coding strand, the complement: SYNE1 is on the minus strand). VCF-style: chr6-152269266-C-G. GRCh37 (hg19) VCF-style: chr6-152590401-C-G.
Other names: p.Glu6127Asp; c.18381G>C (NM_033071.3); c.18381G>C, p.Glu6127Asp (NM_033071.5); short protein forms E6127D, E6198D.
Identifiers: ClinVar variation 1439619 (VCV001439619.5), dbSNP rs776024100, ClinGen allele CA4054917.